The following is an entry in ClinVar:

NM_004316.4(ASCL1):c.151CAG[14] (p.Gln62_Ala63insGlnGln)

Genes: ASCL1 (achaete-scute family bHLH transcription factor 1; plus strand), PAH (phenylalanine hydroxylase; minus strand). Cytogenetic location: 12q23.2.
Variant type: Microsatellite.
Coding change: c.151CAG[14] on transcript NM_004316.4 (MANE Select); 14 copies in a row of the 3-base unit CAG starting at c.151; the reference has 12 copies in a row; two copies, 6 bases duplicated.
Protein change: p.Gln62_Ala63insGlnGln.
Molecular consequence: inframe insertion. On other transcripts: 5 prime UTR variant (1).
Genome position (GRCh38, 1-based): chr12:102,958,425-102,958,430, CAGCAG duplicated; duplicating any 6 consecutive bases within chr12:102,958,394-102,958,430 gives the same sequence; the position shown is the placement nearest the transcript's 3' end. VCF-style (leftmost placement, unchanged base first): chr12-102958393-C-CGCAGCA. GRCh37 (hg19) VCF-style: chr12-103352171-C-CGCAGCA.
Other names: p.Gln61_Gln62dup; c.-330TGC[14] (NM_001354304.2).
Identifiers: ClinVar variation 179579 (VCV000179579.8), dbSNP rs3832799, ClinGen allele CA184704.
Genomic context (GRCh38, chr12:102,958,393, plus strand): 5'-GTTTCTTTGCCACGGCCGCAGCCGCGGCGGCCGCAGCCGCCGCAGCGGCAGCGCAGAGCG[C>CGCAGCA]GCAGCAGCAGCAGCAGCAGCAGCAGCAGCAGCAGCAGGCGCCGCAGCTGAGACCGGCGGC-3'

ClinVar aggregate classification (germline): Benign/Likely benign. Review status: criteria provided, multiple submitters, no conflicts (2 of 4 stars). 3 submissions from 3 submitters: Benign (1); Likely benign (2). Last evaluated 2025-02-16.

Submissions (3):

Laboratory of Genetics, Children's Clinical University Hospital Latvia
Classification: Likely benign. Last evaluated: 2025-02-16. Review status: criteria provided, single submitter. Criteria: ACMG Guidelines, 2015. Collection method: clinical testing. Allele origin: germline. Affected: yes.

Laboratory for Molecular Medicine, Mass General Brigham Personalized Medicine
Classification: Likely benign. Last evaluated: 2014-09-25. Review status: criteria provided, single submitter. Criteria: LMM Criteria. Collection method: clinical testing. Allele origin: germline. Observed: 1 variant allele.
Comment: Gln51[14] in exon 1 of ASCL1: This variant is not expected to have clinical sign ificance because it has been identified in 1.6% (5/304) of Caucasian control chr omosomes tested by our laboratory.

PreventionGenetics, part of Exact Sciences
Classification: Benign. Review status: criteria provided, single submitter. Criteria: ACMG Guidelines, 2015. Collection method: clinical testing. Allele origin: germline.

Literature cited by the submitters: PubMed 20097173 (cited by Laboratory for Molecular Medicine, Mass General Brigham Personalized Medicine); PubMed 16021468 (cited by Laboratory for Molecular Medicine, Mass General Brigham Personalized Medicine).